The following is an entry in ClinVar:

ClinVar aggregate classification (germline): Uncertain significance. Review status: criteria provided, multiple submitters, no conflicts (2 of 4 stars). 2 submissions from 2 submitters: Uncertain significance (2). Last evaluated 2025-03-23.

Conditions:
EPILEPSY, CHILDHOOD ABSENCE, SUSCEPTIBILITY TO, 2 (ECA2). Identifiers: Orphanet 64280, MedGen C1843244, OMIM 607681.
Febrile seizures, familial, 8 (FEB8). Also called: CONVULSIONS, FAMILIAL FEBRILE, 8. Identifiers: Orphanet 36387, MedGen C1969810, MONDO:0011891, OMIM 607681.
GABRG2-related disorder. Also called: GABRG2-related condition.

gnomAD v4.1: 1 of 1,614,062 alleles (0.000062%); highest among the groups gnomAD compares: East Asian, 0.0022%; no homozygotes.

Submissions (2):

Labcorp Genetics (formerly Invitae), Labcorp
Classification: Uncertain significance for Febrile seizures, familial, 8; EPILEPSY, CHILDHOOD ABSENCE, SUSCEPTIBILITY TO, 2. Last evaluated: 2025-03-23. Review status: criteria provided, single submitter. Criteria: Invitae Variant Classification Sherloc (09022015). Collection method: clinical testing. Allele origin: germline.
Comment: This sequence change replaces serine, which is neutral and polar, with alanine, which is neutral and non-polar, at codon 443 of the GABRG2 protein (p.Ser443Ala). This variant is present in population databases (no rsID available, gnomAD 0.006%). This variant has not been reported in the literature in individuals affected with GABRG2-related conditions. Invitae Evidence Modeling of protein sequence and biophysical properties (such as structural, functional, and spatial information, amino acid conservation, physicochemical variation, residue mobility, and thermodynamic stability) has been performed for this missense variant. However, the output from this modeling did not meet the statistical confidence thresholds required to predict the impact of this variant on GABRG2 protein function. In summary, the available evidence is currently insufficient to determine the role of this variant in disease. Therefore, it has been classified as a Variant of Uncertain Significance.

PreventionGenetics, part of Exact Sciences
Classification: Uncertain significance for GABRG2-related condition. Last evaluated: 2025-02-15. Review status: criteria provided, single submitter. Criteria: ACMG Guidelines, 2015. Collection method: clinical testing. Allele origin: germline.
Comment: The GABRG2 c.1327T>G variant is predicted to result in the amino acid substitution p.Ser443Ala. To our knowledge, this variant has not been reported in the literature. This variant is reported in 0.0054% of alleles in individuals of East Asian descent in gnomAD. At this time, the clinical significance of this variant is uncertain due to the absence of conclusive functional and genetic evidence.

NM_198904.4(GABRG2):c.1351T>G (p.Ser451Ala)

Gene: GABRG2 (gamma-aminobutyric acid type A receptor subunit gamma2; plus strand). Cytogenetic location: 5q34.
Variant type: single nucleotide variant.
Coding change: c.1351T>G on transcript NM_198904.4 (MANE Select); coding-DNA position 1351, T replaced by G.
Protein change: p.Ser451Ala; replaces serine 451 with alanine.
Molecular consequence: missense variant. On other transcripts: 3 prime UTR variant (1).
Genome position (GRCh38, 1-based): chr5:162,153,291, T>G. VCF-style: chr5-162153291-T-G. GRCh37 (hg19) VCF-style: chr5-161580297-T-G.
Other names: c.1327T>G, p.Ser443Ala (NM_000816.3); c.1342T>G, p.Ser448Ala (NM_001375339.1); c.*185T>G (NM_001375340.1); c.1348T>G, p.Ser450Ala (NM_001375341.1); c.1324T>G, p.Ser442Ala (NM_001375342.1); c.1447T>G, p.Ser483Ala (NM_001375343.1); c.1390T>G, p.Ser464Ala (NM_001375344.1); c.1261T>G, p.Ser421Ala (NM_001375345.1); and 6 more; short protein forms S303A, S421A, S442A, S443A, S464A, S483A, S450A, S491A.
Identifiers: ClinVar variation 4789505 (VCV004789505.2).